The following is an entry in ClinVar:

ClinVar aggregate classification (germline): Uncertain significance (1 of 4 stars; one submission).

Submission:

Labcorp Genetics (formerly Invitae), Labcorp
Classification: Uncertain significance. Last evaluated: 2020-12-08. Review status: criteria provided, single submitter. Criteria: Invitae Variant Classification Sherloc (09022015). Collection method: clinical testing. Allele origin: germline.
Comment: This sequence change replaces alanine with threonine at codon 624 of the COMP protein (p.Ala624Thr). The alanine residue is highly conserved and there is a small physicochemical difference between alanine and threonine. This variant is not present in population databases (ExAC no frequency). This variant has not been reported in the literature in individuals with COMP-related conditions. Advanced modeling of protein sequence and biophysical properties (such as structural, functional, and spatial information, amino acid conservation, physicochemical variation, residue mobility, and thermodynamic stability) performed at Invitae indicates that this missense variant is expected to disrupt COMP protein function. In summary, the available evidence is currently insufficient to determine the role of this variant in disease. Therefore, it has been classified as a Variant of Uncertain Significance.

NM_000095.3(COMP):c.1870G>A (p.Ala624Thr)

Gene: COMP (cartilage oligomeric matrix protein; minus strand). Cytogenetic location: 19p13.11.
Variant type: single nucleotide variant.
Coding change: c.1870G>A on transcript NM_000095.3 (MANE Select); coding-DNA position 1870, G replaced by A.
Protein change: p.Ala624Thr; replaces alanine 624 with threonine.
Molecular consequence: missense variant.
Genome position (GRCh38, 1-based): chr19:18,784,940, C>T on the plus strand (G>A on the coding strand, the complement: COMP is on the minus strand). VCF-style: chr19-18784940-C-T. GRCh37 (hg19) VCF-style: chr19-18895750-C-T.
Other names: short protein forms A624T.
Identifiers: ClinVar variation 1406766 (VCV001406766.8), dbSNP rs2145899619, ClinGen allele CA404877969.